The following is an entry in ClinVar:

NM_001369.3(DNAH5):c.7540_7543dup (p.Thr2515fs)

Gene: DNAH5 (dynein axonemal heavy chain 5; minus strand). Cytogenetic location: 5p15.2.
Variant type: Duplication.
Coding change: c.7540_7543dup on transcript NM_001369.3 (MANE Select); coding-DNA positions 7540 to 7543, 4 bases duplicated (GGGA; older notation c.7540_7543dupGGGA).
Protein change: p.Thr2515fs; shifts the reading frame from threonine 2515.
Molecular consequence: frameshift variant.
Genome position (GRCh38, 1-based): chr5:13,810,125-13,810,128, TCCC duplicated on the plus strand (GGGA on the coding strand, the reverse complement: DNAH5 is on the minus strand); duplicating any 4 consecutive bases within chr5:13,810,125-13,810,129 gives the same sequence; the c. name uses the placement nearest the transcript's 3' end. VCF-style (leftmost placement, unchanged base first): chr5-13810124-G-GTCCC. GRCh37 (hg19) VCF-style: chr5-13810233-G-GTCCC.
Other names: short protein forms T2515fs.
Identifiers: ClinVar variation 862156 (VCV000862156.10), dbSNP rs1196559591, ClinGen allele CA557876641.

ClinVar aggregate classification (germline): Conflicting classifications of pathogenicity. Review status: criteria provided, conflicting classifications (1 of 4 stars). 2 submissions from 2 submitters: Pathogenic (1); Uncertain significance (1). Last evaluated 2022-01-11.

Conditions:
Primary ciliary dyskinesia. Also called: Ciliary dyskinesia. Identifiers: Orphanet 244, MedGen C0008780, MONDO:0016575, HP:0012265.

Submissions (2):

GeneDx
Classification: Uncertain significance. Last evaluated: 2022-01-11. Review status: criteria provided, single submitter. Criteria: GeneDx Variant Classification Process June 2021. Collection method: clinical testing. Allele origin: germline. Affected: yes.
Comment: Frameshift variant predicted to result in protein truncation or nonsense mediated decay in a gene for which loss-of-function is a known mechanism of disease; Has not been previously published as pathogenic or benign to our knowledge

Labcorp Genetics (formerly Invitae), Labcorp
Classification: Pathogenic for Primary ciliary dyskinesia. Last evaluated: 2020-11-12. Review status: criteria provided, single submitter. Criteria: Invitae Variant Classification Sherloc (09022015). Collection method: clinical testing. Allele origin: germline.
Comment: For these reasons, this variant has been classified as Pathogenic. This variant has not been reported in the literature in individuals with DNAH5-related conditions. ClinVar contains an entry for this variant (Variation ID: 862156). The frequency data for this variant in the population databases is considered unreliable, as metrics indicate insufficient coverage at this position in the ExAC database. This sequence change creates a premature translational stop signal (p.Thr2515Argfs*41) in the DNAH5 gene. It is expected to result in an absent or disrupted protein product. Loss-of-function variants in DNAH5 are known to be pathogenic (PMID: 11788826, 16627867).

Literature cited by the submitters: PubMed 11788826 (cited by Labcorp Genetics (formerly Invitae), Labcorp); PubMed 16627867 (cited by Labcorp Genetics (formerly Invitae), Labcorp).